The following is an entry in ClinVar:

NM_001382430.1(AKT1):c.1372A>G (p.Met458Val)

Gene: AKT1 (AKT serine/threonine kinase 1; minus strand). Cytogenetic location: 14q32.33.
Variant type: single nucleotide variant.
Coding change: c.1372A>G on transcript NM_001382430.1 (MANE Select); coding-DNA position 1372, A replaced by G.
Protein change: p.Met458Val; replaces methionine 458 with valine.
Molecular consequence: missense variant.
Genome position (GRCh38, 1-based): chr14:104,770,412, T>C on the plus strand (A>G on the coding strand, the complement: AKT1 is on the minus strand). VCF-style: chr14-104770412-T-C. GRCh37 (hg19) VCF-style: chr14-105236749-T-C.
Other names: c.1372A>G, p.Met458Val (NM_001014431.2, NM_001014432.2, NM_001382431.1 and 3 more transcripts); short protein forms M458V.
Identifiers: ClinVar variation 1040994 (VCV001040994.8), dbSNP rs1360782672, ClinGen allele CA391214353.

ClinVar aggregate classification (germline): Uncertain significance. Review status: criteria provided, multiple submitters, no conflicts (2 of 4 stars). 2 submissions from 2 submitters: Uncertain significance (2). Last evaluated 2024-01-20.

Conditions:
Cowden syndrome 6 (CWS6). Identifiers: Orphanet 201, MedGen C3554519, MONDO:0014048, OMIM 615109.
Inborn genetic diseases. Identifiers: MedGen C0950123, MeSH D030342.

Allele frequency attached by ClinVar (database versions not stated): TOPMed below 0.00001; gnomAD exomes 0.00001.
gnomAD v4.1: 3 of 1,610,802 alleles (0.00019%); highest among the groups gnomAD compares: Admixed American, 0.0033%; no homozygotes.

Submissions (2):

Ambry Genetics
Classification: Uncertain significance for Inborn genetic diseases. Last evaluated: 2024-01-20. Review status: criteria provided, single submitter. Criteria: Ambry Variant Classification Scheme 2023. Collection method: clinical testing. Allele origin: germline.
Comment: The p.M458V variant (also known as c.1372A>G), located in coding exon 13 of the AKT1 gene, results from an A to G substitution at nucleotide position 1372. The methionine at codon 458 is replaced by valine, an amino acid with highly similar properties. This amino acid position is conserved. In addition, this alteration is predicted to be tolerated by in silico analysis. Since supporting evidence is limited at this time, the clinical significance of this alteration remains unclear.

Labcorp Genetics (formerly Invitae), Labcorp
Classification: Uncertain significance for Cowden syndrome 6. Last evaluated: 2022-10-24. Review status: criteria provided, single submitter. Criteria: Invitae Variant Classification Sherloc (09022015). Collection method: clinical testing. Allele origin: germline.
Comment: Algorithms developed to predict the effect of missense changes on protein structure and function (SIFT, PolyPhen-2, Align-GVGD) all suggest that this variant is likely to be tolerated. This sequence change replaces methionine, which is neutral and non-polar, with valine, which is neutral and non-polar, at codon 458 of the AKT1 protein (p.Met458Val). This variant is present in population databases (no rsID available, gnomAD 0.006%). This variant has not been reported in the literature in individuals affected with AKT1-related conditions. ClinVar contains an entry for this variant (Variation ID: 1040994). In summary, the available evidence is currently insufficient to determine the role of this variant in disease. Therefore, it has been classified as a Variant of Uncertain Significance.